The following is an entry in ClinVar:

ClinVar aggregate classification (germline): Pathogenic (1 of 4 stars; one submission).

Conditions:
Epilepsy. Also called: Seizure disorder. Identifiers: MedGen C0014544, MeSH D004827, MONDO:0005027.

Submission:

Labcorp Genetics (formerly Invitae), Labcorp
Classification: Pathogenic for Epilepsy. Last evaluated: 2023-12-06. Review status: criteria provided, single submitter. Criteria: Invitae Variant Classification Sherloc (09022015). Collection method: clinical testing. Allele origin: germline.
Comment: This variant results in the deletion of exons 2-9 and part of exon 10 (c.-9-1798_1574del) of the PIGQ gene. It is expected to result in an absent or disrupted protein product. Loss-of-function variants in PIGQ are known to be pathogenic (PMID: 24463883, 25558065). This variant has not been reported in the literature in individuals affected with PIGQ-related conditions. For these reasons, this variant has been classified as Pathogenic.

Literature cited by the submitters: PubMed 24463883; PubMed 25558065.

NC_000016.9:g.(?_622268)_(632290_?)del

Gene: PIGQ (phosphatidylinositol glycan anchor biosynthesis class Q; plus strand). Cytogenetic location: 16p13.3.
Variant type: Deletion.
Identifiers: ClinVar variation 2425035 (VCV002425035.4).